The following is an entry in ClinVar:

NM_001291303.3(FAT4):c.5873C>A (p.Pro1958His)

Gene: FAT4 (FAT atypical cadherin 4; plus strand). Cytogenetic location: 4q28.1.
Variant type: single nucleotide variant.
Coding change: c.5873C>A on transcript NM_001291303.3 (MANE Select); coding-DNA position 5873, C replaced by A.
Protein change: p.Pro1958His; replaces proline 1958 with histidine.
Molecular consequence: missense variant.
Genome position (GRCh38, 1-based): chr4:125,408,747, C>A. VCF-style: chr4-125408747-C-A. GRCh37 (hg19) VCF-style: chr4-126329902-C-A.
Other names: c.5873C>A, p.Pro1958His (NM_001291285.3, NM_001438396.1, NM_001438397.1 and 1 more transcripts); c.644C>A, p.Pro215His (NM_001437895.1); short protein forms P1958H, P215H.
Identifiers: ClinVar variation 4768584 (VCV004768584.1).

ClinVar aggregate classification (germline): Uncertain significance (1 of 4 stars; one submission).

Submission:

Labcorp Genetics (formerly Invitae), Labcorp
Classification: Uncertain significance. Last evaluated: 2025-10-03. Review status: criteria provided, single submitter. Criteria: Invitae Variant Classification Sherloc (09022015). Collection method: clinical testing. Allele origin: germline.
Comment: This sequence change replaces proline, which is neutral and non-polar, with histidine, which is basic and polar, at codon 1958 of the FAT4 protein (p.Pro1958His). This variant is present in population databases (no rsID available, gnomAD 0.0009%). This variant has not been reported in the literature in individuals affected with FAT4-related conditions. Invitae Evidence Modeling of protein sequence and biophysical properties (such as structural, functional, and spatial information, amino acid conservation, physicochemical variation, residue mobility, and thermodynamic stability) indicates that this missense variant is not expected to disrupt FAT4 protein function with a negative predictive value of 80%. In summary, the available evidence is currently insufficient to determine the role of this variant in disease. Therefore, it has been classified as a Variant of Uncertain Significance.